The following is an entry in ClinVar:

ClinVar aggregate classification (germline): Uncertain significance (1 of 4 stars; one submission).

Allele frequency attached by ClinVar (database versions not stated): ExAC 0.00002.
gnomAD v4.1: 6 of 1,614,010 alleles (0.00037%); highest among the groups gnomAD compares: South Asian, 0.0055%; no homozygotes.

Submission:

Ambry Genetics
Classification: Uncertain significance. Last evaluated: 2022-01-15. Review status: criteria provided, single submitter. Criteria: Ambry Variant Classification Scheme 2023. Collection method: clinical testing. Allele origin: germline.
Comment: The p.V809I variant (also known as c.2425G>A), located in coding exon 15 of the POLQ gene, results from a G to A substitution at nucleotide position 2425. The valine at codon 809 is replaced by isoleucine, an amino acid with highly similar properties. This amino acid position is conserved. In addition, this alteration is predicted to be tolerated by in silico analysis. Since supporting evidence is limited at this time, the clinical significance of this alteration remains unclear.

NM_199420.4(POLQ):c.2425G>A (p.Val809Ile)

Gene: POLQ (DNA polymerase theta; minus strand). Cytogenetic location: 3q13.33.
Variant type: single nucleotide variant.
Coding change: c.2425G>A on transcript NM_199420.4 (MANE Select); coding-DNA position 2425, G replaced by A.
Protein change: p.Val809Ile; replaces valine 809 with isoleucine.
Molecular consequence: missense variant.
Genome position (GRCh38, 1-based): chr3:121,493,575, C>T on the plus strand (G>A on the coding strand, the complement: POLQ is on the minus strand). VCF-style: chr3-121493575-C-T. GRCh37 (hg19) VCF-style: chr3-121212422-C-T.
Other names: short protein forms V809I.
Identifiers: ClinVar variation 1791080 (VCV001791080.2), dbSNP rs764579690, ClinGen allele CA2563265.